The following is an entry in ClinVar:

ClinVar aggregate classification (germline): Uncertain significance. Review status: criteria provided, single submitter (1 of 4 stars). 3 submissions from 3 submitters: Uncertain significance (1). 2 of the submissions do not count toward it. Last evaluated 2020-10-06.

Conditions:
Geleophysic dysplasia 1 (GPHYSD1). Also called: Geleophysic dwarfism. Identifiers: Orphanet 2623, MedGen C3278147, MONDO:0009269, OMIM 231050.

Allele frequency attached by ClinVar (database versions not stated): ExAC 0.00002; gnomAD exomes 0.00002; TOPMed 0.00002; gnomAD 0.00003 and 0.00004.
gnomAD v4.1: 33 of 1,613,648 alleles (0.002%); highest among the groups gnomAD compares: Admixed American, 0.0033%; no homozygotes.

Submissions (3):

Revvity Omics, Revvity
Classification: Uncertain significance for Geleophysic dysplasia 1. Last evaluated: 2020-10-06. Review status: criteria provided, single submitter. Criteria: ACMG Guidelines, 2015. Collection method: clinical testing. Allele origin: germline.

Mustafa Tekin Lab, University Of Miami, Miller School Of Medicine
Classification: Uncertain significance for Geleophysic dysplasia 1. Last evaluated: 2024-12-02. Review status: no assertion criteria provided. Collection method: research. Allele origin: germline. Affected: yes. Observed: 1 compound heterozygote. Not counted in ClinVar's aggregate classification.

Foundation for Research in Genetics and Endocrinology, FRIGE's Institute of Human Genetics
Classification: Uncertain significance for Geleophysic dysplasia 1. Last evaluated: 2018-04-17. Review status: no assertion criteria provided. Collection method: clinical testing. Allele origin: germline. Inheritance: Autosomal recessive inheritance. Affected: yes and no. Observed: 3 variant alleles, 2 heterozygotes, 1 homozygote. Clinical features observed: Mild conductive hearing impairment (HP:0008598), Pulmonary artery stenosis (HP:0004415), Toe syndactyly (HP:0001770), Abnormal cardiovascular system morphology (HP:0030680), Narrow mouth (HP:0000160), Retrognathia (HP:0000278), Global developmental delay (HP:0001263), Hemihypertrophy (HP:0001528), Mesomelic arm shortening (HP:0005011), Abnormality of the skeletal system (HP:0000924), Abnormality of mouth shape (HP:0011338), Short proximal phalanx of the 2nd finger (HP:0009597). Not counted in ClinVar's aggregate classification.
Comment: The observed variant c.493G>A (p.Ala165Thr) is not reported in 1000 Genomes. Its minor allele frequency in ExAC database is 0.00001661. The in silico prediction of the given variant is disease causing by MutationTaster, Tolerated by SIFT, and probably damaging by PolyPhen.

NM_014694.4(ADAMTSL2):c.493G>A (p.Ala165Thr)

Gene: ADAMTSL2 (ADAMTS like 2; plus strand). Cytogenetic location: 9q34.2.
Variant type: single nucleotide variant.
Coding change: c.493G>A on transcript NM_014694.4 (MANE Select); coding-DNA position 493, G replaced by A.
Protein change: p.Ala165Thr; replaces alanine 165 with threonine.
Molecular consequence: missense variant.
Genome position (GRCh38, 1-based): chr9:133,540,678, G>A. VCF-style: chr9-133540678-G-A. GRCh37 (hg19) VCF-style: chr9-136405800-G-A.
Other names: c.493G>A (NM_014694.3); c.493G>A, p.Ala165Thr (NM_001145320.2); short protein forms A165T.
Identifiers: ClinVar variation 524194 (VCV000524194.4), dbSNP rs764516811, ClinGen allele CA5312634.